The following is an entry in ClinVar:

NM_194248.3(OTOF):c.3370A>G (p.Met1124Val)

Gene: OTOF (otoferlin; minus strand). Cytogenetic location: 2p23.3.
Variant type: single nucleotide variant.
Coding change: c.3370A>G on transcript NM_194248.3 (MANE Select); coding-DNA position 3370, A replaced by G.
Protein change: p.Met1124Val; replaces methionine 1124 with valine.
Molecular consequence: missense variant.
Genome position (GRCh38, 1-based): chr2:26,474,029, T>C on the plus strand (A>G on the coding strand, the complement: OTOF is on the minus strand). VCF-style: chr2-26474029-T-C. GRCh37 (hg19) VCF-style: chr2-26696897-T-C.
Other names: c.3370A>G, p.Met1124Val (NM_001287489.2); c.1129A>G, p.Met377Val (NM_004802.4, NM_194323.3); c.1300A>G, p.Met434Val (NM_194322.3); short protein forms M1124V, M377V, M434V.
Identifiers: ClinVar variation 2069238 (VCV002069238.4), dbSNP rs554314437, ClinGen allele CA44397167.
Genomic context (GRCh38, chr2:26,474,029, plus strand): 5'-GGGCCACACAGAGCCCTCGCACCTCCACTCGGTACTTGCTGAGCACGGGCCGGATGCCCA[T>C]GGGCACGGGCATGATGGGACCTCGGTCCACGTCCACCGGGCCATTGATGGGGGGCAGGTC-3'
Protein context (NP_919224.1, residues 1114-1134): VDRGPIMPVP[Met1124Val]GIRPVLSKYR

ClinVar aggregate classification (germline): Uncertain significance (1 of 4 stars; one submission).

Allele frequency attached by ClinVar (database versions not stated): gnomAD exomes 0.00001.

Submission:

Labcorp Genetics (formerly Invitae), Labcorp
Classification: Uncertain significance. Last evaluated: 2022-07-06. Review status: criteria provided, single submitter. Criteria: Invitae Variant Classification Sherloc (09022015). Collection method: clinical testing. Allele origin: germline.
Comment: In summary, the available evidence is currently insufficient to determine the role of this variant in disease. Therefore, it has been classified as a Variant of Uncertain Significance. Algorithms developed to predict the effect of missense changes on protein structure and function output the following: SIFT: "Tolerated"; PolyPhen-2: "Benign"; Align-GVGD: "Class C0". The valine amino acid residue is found in multiple mammalian species, which suggests that this missense change does not adversely affect protein function. This variant has not been reported in the literature in individuals affected with OTOF-related conditions. This variant is not present in population databases (gnomAD no frequency). This sequence change replaces methionine, which is neutral and non-polar, with valine, which is neutral and non-polar, at codon 1124 of the OTOF protein (p.Met1124Val).